The following is an entry in ClinVar:

NM_000814.6(GABRB3):c.1127A>G (p.Asn376Ser)

Gene: GABRB3 (gamma-aminobutyric acid type A receptor subunit beta3; minus strand). Cytogenetic location: 15q12.
Variant type: single nucleotide variant.
Coding change: c.1127A>G on transcript NM_000814.6 (MANE Select); coding-DNA position 1127, A replaced by G.
Protein change: p.Asn376Ser; replaces asparagine 376 with serine.
Molecular consequence: missense variant.
Genome position (GRCh38, 1-based): chr15:26,548,088, T>C on the plus strand (A>G on the coding strand, the complement: GABRB3 is on the minus strand). VCF-style: chr15-26548088-T-C. GRCh37 (hg19) VCF-style: chr15-26793235-T-C.
Other names: c.872A>G, p.Asn291Ser (NM_001191320.2, NM_001278631.2); c.914A>G, p.Asn305Ser (NM_001191321.3); c.1127A>G, p.Asn376Ser (NM_021912.5); short protein forms N376S, N291S, N305S.
Identifiers: ClinVar variation 588438 (VCV000588438.20), dbSNP rs756866953, ClinGen allele CA7437295.

ClinVar aggregate classification (germline): Conflicting classifications of pathogenicity. Review status: criteria provided, conflicting classifications (1 of 4 stars). 4 submissions from 4 submitters: Uncertain significance (1); Likely benign (3). Last evaluated 2025-12-21.

Conditions:
Intellectual disability. Also called: Intellectual developmental disorder; Intellectual functioning disability; intellectual disabilities. Identifiers: MedGen C3714756, MeSH D008607, MONDO:0001071, HP:0001249.
Epilepsy, childhood absence, susceptibility to, 1. Also called: Epilepsy, childhood absence 1. Identifiers: Orphanet 64280, MedGen C1838604, MONDO:0020759, OMIM 600131.
Epilepsy, childhood absence, susceptibility to, 5. Identifiers: Orphanet 64280, MedGen C2677087, MONDO:0012843, OMIM 612269.
Inborn genetic diseases. Identifiers: MedGen C0950123, MeSH D030342.

Allele frequency attached by ClinVar (database versions not stated): TOPMed 0.00001; ExAC 0.00001; gnomAD 0.00001.
gnomAD v4.1: 149 of 1,614,096 alleles (0.0092%); highest among the groups gnomAD compares: Non-Finnish European, 0.012%; no homozygotes.

Submissions (4):

Labcorp Genetics (formerly Invitae), Labcorp
Classification: Uncertain significance for Epilepsy, childhood absence, susceptibility to, 5; Epilepsy, childhood absence, susceptibility to, 1. Last evaluated: 2025-12-21. Review status: criteria provided, single submitter. Criteria: Invitae Variant Classification Sherloc (09022015). Collection method: clinical testing. Allele origin: germline.
Comment: This sequence change replaces asparagine, which is neutral and polar, with serine, which is neutral and polar, at codon 376 of the GABRB3 protein (p.Asn376Ser). This variant is present in population databases (rs756866953, gnomAD 0.004%). This variant has not been reported in the literature in individuals affected with GABRB3-related conditions. ClinVar contains an entry for this variant (Variation ID: 588438). Invitae Evidence Modeling of protein sequence and biophysical properties (such as structural, functional, and spatial information, amino acid conservation, physicochemical variation, residue mobility, and thermodynamic stability) indicates that this missense variant is not expected to disrupt GABRB3 protein function with a negative predictive value of 95%. In summary, the available evidence is currently insufficient to determine the role of this variant in disease. Therefore, it has been classified as a Variant of Uncertain Significance.

Ambry Genetics
Classification: Likely benign for Inborn genetic diseases. Last evaluated: 2025-01-08. Review status: criteria provided, single submitter. Criteria: Ambry Variant Classification Scheme 2023. Collection method: clinical testing. Allele origin: germline.

GeneDx
Classification: Likely benign. Last evaluated: 2021-06-10. Review status: criteria provided, single submitter. Criteria: GeneDx Variant Classification Process June 2021. Collection method: clinical testing. Allele origin: germline. Affected: yes.

Cambridge Genomics Laboratory, East Genomic Laboratory Hub, NHS Genomic Medicine Service
Classification: Likely benign for Intellectual disability. Last evaluated: 2020-04-27. Review status: criteria provided, single submitter. Criteria: ACGS Best Practice Guidelines for Variant Classification in Rare Disease 2020. Collection method: clinical testing. Allele origin: germline. Affected: yes. Observed: 1 variant allele.